The following is an entry in ClinVar:

NM_001369.3(DNAH5):c.7888-1G>A

Gene: DNAH5 (dynein axonemal heavy chain 5; minus strand). Cytogenetic location: 5p15.2.
Variant type: single nucleotide variant.
Coding change: c.7888-1G>A on transcript NM_001369.3 (MANE Select); the canonical splice acceptor site of the intron before coding-DNA position 7888, G replaced by A.
Molecular consequence: splice acceptor variant.
Genome position (GRCh38, 1-based): chr5:13,794,059, C>T on the plus strand (G>A on the coding strand, the complement: DNAH5 is on the minus strand). VCF-style: chr5-13794059-C-T. GRCh37 (hg19) VCF-style: chr5-13794168-C-T.
Identifiers: ClinVar variation 1512742 (VCV001512742.6), dbSNP rs767603357, ClinGen allele CA359222506.
Genomic context (GRCh38, chr5:13,794,059, plus strand): 5'-TCCCGCAGGAGGGCCATATGTTGTACCCATTCGTTTATCCACATAGCTCTCTATCGTCCT[C>T]TGTGAAAAAAAAATCAACTGAAACATCTGTGAAAATATCCCCTAAAACCTGGTCAATTAT-3'

ClinVar aggregate classification (germline): Likely pathogenic (1 of 4 stars; one submission).

Conditions:
Primary ciliary dyskinesia. Also called: Ciliary dyskinesia. Identifiers: Orphanet 244, MedGen C0008780, MONDO:0016575, HP:0012265.

Submission:

Labcorp Genetics (formerly Invitae), Labcorp
Classification: Likely pathogenic for Primary ciliary dyskinesia. Last evaluated: 2021-08-14. Review status: criteria provided, single submitter. Criteria: Invitae Variant Classification Sherloc (09022015). Collection method: clinical testing. Allele origin: germline.
Comment: This sequence change affects an acceptor splice site in intron 47 of the DNAH5 gene. It is expected to disrupt RNA splicing. Variants that disrupt the donor or acceptor splice site typically lead to a loss of protein function (PMID: 16199547), and loss-of-function variants in DNAH5 are known to be pathogenic (PMID: 11788826, 16627867). This variant is not present in population databases (ExAC no frequency). This variant has not been reported in the literature in individuals affected with DNAH5-related conditions. Algorithms developed to predict the effect of sequence changes on RNA splicing suggest that this variant may disrupt the consensus splice site. In summary, the currently available evidence indicates that the variant is pathogenic, but additional data are needed to prove that conclusively. Therefore, this variant has been classified as Likely Pathogenic.

Literature cited by the submitters: PubMed 16199547; PubMed 11788826; PubMed 16627867.